The following is an entry in ClinVar:

NM_031229.4(RBCK1):c.772C>T (p.Gln258Ter)

Gene: RBCK1 (RANBP2-type and C3HC4-type zinc finger containing 1; plus strand). Cytogenetic location: 20p13.
Variant type: single nucleotide variant.
Coding change: c.772C>T on transcript NM_031229.4 (MANE Select); coding-DNA position 772, C replaced by T.
Protein change: p.Gln258Ter; replaces glutamine 258 with a stop codon.
Molecular consequence: nonsense. On other transcripts: non-coding transcript variant (1), intron variant (2).
Genome position (GRCh38, 1-based): chr20:420,886, C>T. VCF-style: chr20-420886-C-T. GRCh37 (hg19) VCF-style: chr20-401530-C-T.
Other names: c.823C>T, p.Gln275Ter (NM_001410770.1); c.646C>T, p.Gln216Ter (NM_006462.6); c.407+1155C>T (NM_001323956.2, NM_001323958.2); short protein forms Q275*, Q216*, Q258*.
Identifiers: ClinVar variation 1998491 (VCV001998491.4), dbSNP rs1358467254, ClinGen allele CA407927479.
Genomic context (GRCh38, chr20:420,886, plus strand): 5'-CCCCGAGGCCCTGACCCGCCCCGTGGCCCCGCCCCGTGTGCCCAGCGGAAGCAGCAGCAG[C>T]AGGAGGGGAACTACCTGCAGCACGTCCAGCTGGACCAGAGGAGCCTGGTGCTGAACACGG-3'

ClinVar aggregate classification (germline): Pathogenic (1 of 4 stars; one submission).

Conditions:
Polyglucosan body myopathy type 1 (PGBM1). Also called: Polyglucosan body myopathy 1 with or without immunodeficiency; POLYGLUCOSAN BODY MYOPATHY WITHOUT IMMUNODEFICIENCY. Identifiers: Orphanet 329173, Orphanet 397937, MedGen C4014605, MONDO:0014389, OMIM 615895.

gnomAD v4.1: 7 of 1,553,736 alleles (0.00045%); highest among the groups gnomAD compares: Non-Finnish European, 0.00061%; no homozygotes.

Submission:

Labcorp Genetics (formerly Invitae), Labcorp
Classification: Pathogenic for Polyglucosan body myopathy type 1. Last evaluated: 2024-04-08. Review status: criteria provided, single submitter. Criteria: Invitae Variant Classification Sherloc (09022015). Collection method: clinical testing. Allele origin: germline.
Comment: This sequence change creates a premature translational stop signal (p.Gln258*) in the RBCK1 gene. It is expected to result in an absent or disrupted protein product. Loss-of-function variants in RBCK1 are known to be pathogenic (PMID: 2379848, 23104095, 23889995). This variant is not present in population databases (gnomAD no frequency). This variant has not been reported in the literature in individuals affected with RBCK1-related conditions. ClinVar contains an entry for this variant (Variation ID: 1998491). For these reasons, this variant has been classified as Pathogenic.

Literature cited by the submitters: PubMed 2379848; PubMed 23104095; PubMed 23889995.